The following is an entry in ClinVar:

NM_014709.4(USP34):c.6169G>C (p.Asp2057His)

Gene: USP34 (ubiquitin specific peptidase 34; minus strand). Cytogenetic location: 2p15.
Variant type: single nucleotide variant.
Coding change: c.6169G>C on transcript NM_014709.4 (MANE Select); coding-DNA position 6169, G replaced by C.
Protein change: p.Asp2057His; replaces aspartic acid 2057 with histidine.
Molecular consequence: missense variant.
Genome position (GRCh38, 1-based): chr2:61,256,436, C>G on the plus strand (G>C on the coding strand, the complement: USP34 is on the minus strand). VCF-style: chr2-61256436-C-G. GRCh37 (hg19) VCF-style: chr2-61483571-C-G.
Other names: short protein forms D2057H.
Identifiers: ClinVar variation 4975137 (VCV004975137.1).
Genomic context (GRCh38, chr2:61,256,436, plus strand): 5'-AAGCATACCTTTTTTCAGCTCGTACTTTCTTCCCACAATGAGAACAAGTATACATGTTAT[C>G]ACCTTCCAAAGTGTCTTTTATAGTAACTTCATCAAGAGATTCCTGTGTATAAAACCACAT-3'
Protein context (NP_055524.3, residues 2047-2067): EVTIKDTLEG[Asp2057His]NMYTCSHCGK

ClinVar aggregate classification (germline): Uncertain significance (1 of 4 stars; one submission).

Submission:

GeneDx
Classification: Uncertain significance. Last evaluated: 2025-05-03. Review status: criteria provided, single submitter. Criteria: GeneDx Variant Classification Process June 2021. Collection method: clinical testing. Allele origin: germline.
Comment: Not observed at significant frequency in large population cohorts (gnomAD); In silico analysis supports that this missense variant has a deleterious effect on protein structure/function; Has not been previously published as pathogenic or benign to our knowledge; Variants in candidate genes are classified as variants of uncertain significance in accordance with ACMG guidelines (PMID: 25741868)